The following is an entry in ClinVar:

ClinVar aggregate classification (germline): Uncertain significance. Review status: criteria provided, multiple submitters, no conflicts (2 of 4 stars). 3 submissions from 3 submitters: Uncertain significance (3). Last evaluated 2022-08-24.

Conditions:
Hereditary nonpolyposis colorectal neoplasms. Identifiers: MedGen C0009405, MeSH D003123.
Hereditary cancer-predisposing syndrome. Also called: Hereditary neoplastic syndrome; Hereditary Cancer Syndrome; Neoplastic Syndromes, Hereditary; Tumor predisposition. Identifiers: Orphanet 140162, MedGen C0027672, MeSH D009386, MONDO:0015356.

Allele frequency attached by ClinVar (database versions not stated): gnomAD exomes below 0.00001.
gnomAD v4.1: 1 of 1,586,210 alleles (0.000063%); highest among the groups gnomAD compares: Admixed American, 0.0017%; no homozygotes.

Submissions (3):

Labcorp Genetics (formerly Invitae), Labcorp
Classification: Uncertain significance for Hereditary nonpolyposis colorectal neoplasms. Last evaluated: 2022-08-24. Review status: criteria provided, single submitter. Criteria: Invitae Variant Classification Sherloc (09022015). Collection method: clinical testing. Allele origin: germline.
Comment: In summary, the available evidence is currently insufficient to determine the role of this variant in disease. Therefore, it has been classified as a Variant of Uncertain Significance. This sequence change replaces glycine, which is neutral and non-polar, with aspartic acid, which is acidic and polar, at codon 382 of the PMS2 protein (p.Gly382Asp). This variant is not present in population databases (gnomAD no frequency). This variant has not been reported in the literature in individuals affected with PMS2-related conditions. ClinVar contains an entry for this variant (Variation ID: 234829). Algorithms developed to predict the effect of missense changes on protein structure and function are either unavailable or do not agree on the potential impact of this missense change (SIFT: "Tolerated"; PolyPhen-2: "Possibly Damaging"; Align-GVGD: "Class C0"). Algorithms developed to predict the effect of sequence changes on RNA splicing suggest that this variant may create or strengthen a splice site.

Ambry Genetics
Classification: Uncertain significance for Hereditary cancer-predisposing syndrome. Last evaluated: 2021-02-18. Review status: criteria provided, single submitter. Criteria: Ambry Variant Classification Scheme 2023. Collection method: clinical testing. Allele origin: germline.
Comment: The p.G382D variant (also known as c.1145G>A) is located in coding exon 11 of the PMS2 gene. The glycine at codon 382 is replaced by aspartic acid, an amino acid with similar properties. This change occurs in the first base pair of coding exon 11. This amino acid position is well conserved in available vertebrate species. In addition, this alteration is predicted to be deleterious by in silico analysis. Since supporting evidence is limited at this time, the clinical significance of this alteration remains unclear.

GeneDx
Classification: Uncertain significance. Last evaluated: 2016-02-08. Review status: criteria provided, single submitter. Criteria: GeneDx Variant Classification (06012015). Collection method: clinical testing. Allele origin: germline. Affected: yes.
Comment: This variant is denoted PMS2 c.1145G>A at the cDNA level, p.Gly382Asp (G382D) at the protein level, and results in the change of a Glycine to an Aspartic Acid (GGT>GAT). This variant has not, to our knowledge, been published in the literature as pathogenic or benign. PMS2 Gly382Asp was not observed in approximately 6,500 individuals of European and African American ancestry in the NHLBI Exome Sequencing Project, suggesting it is not a common benign variant in these populations. Since Glycine and Aspartic Acid differ in polarity, charge, size or other properties, this is considered a non-conservative amino acid substitution. PMS2 Gly382Asp occurs at a position that is conserved across species and is not located in a known functional domain (Fukui 2011). In silico analyses are inconsistent regarding the effect this variant may have on protein structure and function. Multiple splicing models suggest that this variant may damage the nearby splice acceptor site. Based on currently available evidence, it is unclear whether PMS2 Gly382Asp is a pathogenic or benign variant. We consider it to be a variant of uncertain significance.

Literature cited by the submitters: PubMed 18415027 (cited by Ambry Genetics).

NM_000535.7(PMS2):c.1145G>A (p.Gly382Asp)

Gene: PMS2 (PMS1 homolog 2, mismatch repair system component; minus strand). Cytogenetic location: 7p22.1.
Variant type: single nucleotide variant.
Coding change: c.1145G>A on transcript NM_000535.7 (MANE Select); coding-DNA position 1145, G replaced by A.
Protein change: p.Gly382Asp; replaces glycine 382 with aspartic acid.
Molecular consequence: missense variant. On other transcripts: non-coding transcript variant (1).
Genome position (GRCh38, 1-based): chr7:5,987,620, C>T on the plus strand (G>A on the coding strand, the complement: PMS2 is on the minus strand). VCF-style: chr7-5987620-C-T. GRCh37 (hg19) VCF-style: chr7-6027251-C-T.
Other names: c.740G>A, p.Gly247Asp (NM_001322003.2, NM_001322004.2, NM_001322005.2 and 1 more transcripts); c.989G>A, p.Gly330Asp (NM_001322006.2); c.827G>A, p.Gly276Asp (NM_001322007.2, NM_001322008.2); c.584G>A, p.Gly195Asp (NM_001322010.2); c.212G>A, p.Gly71Asp (NM_001322011.2, NM_001322012.2); c.572G>A, p.Gly191Asp (NM_001322013.2); c.1145G>A, p.Gly382Asp (NM_001322014.2); c.836G>A, p.Gly279Asp (NM_001322015.2); short protein forms G382D, G191D, G276D, G279D, G195D, G247D, G330D, G71D.
Identifiers: ClinVar variation 234829 (VCV000234829.12), dbSNP rs876661243, ClinGen allele CA10577344.
Genomic context (GRCh38, chr7:5,987,620, plus strand): 5'-TGATCCTGCTTTTCTACCATGGGCTTTTCCAAATCCGCTGCATGCATTTTTATTAAGTTA[C>T]CTAAGCAAACGTGGACGGAGAAGAGGGTCAGGGACTATCCTGAAATGGTGAGAGGACGTG-3'
Protein context (NP_000526.2, residues 372-392): VSQQPLLDVE[Gly382Asp]NLIKMHAADL